The following is an entry in ClinVar:

ClinVar aggregate classification (germline): Uncertain significance. Review status: criteria provided, multiple submitters, no conflicts (2 of 4 stars). 3 submissions from 3 submitters: Uncertain significance (3). Last evaluated 2025-09-23.

Conditions:
Hereditary cancer-predisposing syndrome. Also called: Neoplastic Syndromes, Hereditary; Tumor predisposition; Hereditary neoplastic syndrome; Hereditary Cancer Syndrome. Identifiers: Orphanet 140162, MedGen C0027672, MeSH D009386, MONDO:0015356.
Ataxia-telangiectasia-like disorder (ATLD). Identifiers: MedGen C1858391, MONDO:0011457.

Submissions (3):

Quest Diagnostics Nichols Institute San Juan Capistrano
Classification: Uncertain significance. Last evaluated: 2025-09-23. Review status: criteria provided, single submitter. Criteria: Quest Diagnostics criteria. Collection method: clinical testing. Allele origin: unknown.

Labcorp Genetics (formerly Invitae), Labcorp
Classification: Uncertain significance for Ataxia-telangiectasia-like disorder. Last evaluated: 2023-05-04. Review status: criteria provided, single submitter. Criteria: Invitae Variant Classification Sherloc (09022015). Collection method: clinical testing. Allele origin: germline.
Comment: This sequence change replaces lysine, which is basic and polar, with glutamic acid, which is acidic and polar, at codon 196 of the MRE11 protein (p.Lys196Glu). In summary, the available evidence is currently insufficient to determine the role of this variant in disease. Therefore, it has been classified as a Variant of Uncertain Significance. An algorithm developed to predict the effect of missense changes on protein structure and function (PolyPhen-2) suggests that this variant is likely to be tolerated. ClinVar contains an entry for this variant (Variation ID: 826022). This variant has not been reported in the literature in individuals affected with MRE11-related conditions. This variant is not present in population databases (gnomAD no frequency).

Ambry Genetics
Classification: Uncertain significance for Hereditary cancer-predisposing syndrome. Last evaluated: 2022-10-15. Review status: criteria provided, single submitter. Criteria: Ambry Variant Classification Scheme 2023. Collection method: clinical testing. Allele origin: germline.
Comment: The p.K196E variant (also known as c.586A>G), located in coding exon 6 of the MRE11A gene, results from an A to G substitution at nucleotide position 586. The lysine at codon 196 is replaced by glutamic acid, an amino acid with similar properties. This amino acid position is well conserved in available vertebrate species. In addition, the in silico prediction for this alteration is inconclusive. Since supporting evidence is limited at this time, the clinical significance of this alteration remains unclear.

NM_005591.4(MRE11):c.586A>G (p.Lys196Glu)

Gene: MRE11 (MRE11 double strand break repair nuclease; minus strand). Cytogenetic location: 11q21.
Variant type: single nucleotide variant.
Coding change: c.586A>G on transcript NM_005591.4 (MANE Select); coding-DNA position 586, A replaced by G.
Protein change: p.Lys196Glu; replaces lysine 196 with glutamic acid.
Molecular consequence: missense variant.
Genome position (GRCh38, 1-based): chr11:94,476,362, T>C on the plus strand (A>G on the coding strand, the complement: MRE11 is on the minus strand). VCF-style: chr11-94476362-T-C. GRCh37 (hg19) VCF-style: chr11-94209528-T-C.
Other names: c.586A>G, p.Lys196Glu (NM_001330347.2, NM_005590.4); short protein forms K196E.
Identifiers: ClinVar variation 826022 (VCV000826022.10), dbSNP rs1305804736, ClinGen allele CA382376901.